The following is an entry in ClinVar:

ClinVar aggregate classification (germline): Benign/Likely benign. Review status: criteria provided, multiple submitters, no conflicts (2 of 4 stars). 9 submissions from 9 submitters: Benign (7); Likely benign (1). 1 of the submissions does not count toward it. Last evaluated 2026-02-03.

Conditions:
Glycogen storage disease type III (GSD3). Also called: FORBES DISEASE; Cori disease. Identifiers: Orphanet 366, MedGen C0017922, MONDO:0009291, OMIM 232400.

Allele frequency attached by ClinVar (database versions not stated): gnomAD exomes 0.00162 and 0.00493; ESP Exome Variant Server 0.00408; gnomAD 0.00515 and 0.00534; ExAC 0.00552; TOPMed 0.00562; 1000 Genomes Project 30x 0.01234; 1000 Genomes Project 0.01298.

Submissions (9):

Labcorp Genetics (formerly Invitae), Labcorp
Classification: Benign for Glycogen storage disease type III. Last evaluated: 2026-02-03. Review status: criteria provided, single submitter. Criteria: Invitae Variant Classification Sherloc (09022015). Collection method: clinical testing. Allele origin: germline.

ARUP Laboratories, Molecular Genetics and Genomics, ARUP Laboratories
Classification: Benign. Last evaluated: 2024-12-12. Review status: criteria provided, single submitter. Criteria: ARUP Molecular Germline Variant Investigation Process 2024. Collection method: clinical testing. Allele origin: germline.

Mayo Clinic Laboratories, Mayo Clinic
Classification: Benign. Last evaluated: 2023-10-17. Review status: criteria provided, single submitter. Criteria: ACMG Guidelines, 2015. Collection method: clinical testing. Allele origin: germline. Observed: 18 variant alleles.
Comment: BS1, BS2, BP4

Genome-Nilou Lab
Classification: Benign for Glycogen storage disease type III. Last evaluated: 2021-07-15. Review status: criteria provided, single submitter. Criteria: ACMG Guidelines, 2015. Collection method: clinical testing. Allele origin: germline. Affected: no.

Illumina Laboratory Services, Illumina
Classification: Benign for Glycogen storage disease type III. Last evaluated: 2018-01-13. Review status: criteria provided, single submitter. Criteria: ICSL Variant Classification Criteria 13 December 2019. Collection method: clinical testing. Allele origin: germline.
Comment: This variant was observed in the ICSL laboratory as part of a predisposition screen in an ostensibly healthy population. It had not been previously curated by ICSL or reported in the Human Gene Mutation Database (HGMD: prior to June 1st, 2018), and was therefore a candidate for classification through an automated scoring system. Utilizing variant allele frequency, disease prevalence and penetrance estimates, and inheritance mode, an automated score was calculated to assess if this variant is too frequent to cause the disease. Based on the score and internal cut-off values, a variant classified as benign is not then subjected to further curation. The score for this variant resulted in a classification of benign for this disease.

Phosphorus, Inc.
Classification: Likely benign for Glycogen storage disease type III. Last evaluated: 2017-08-01. Review status: criteria provided, single submitter. Criteria: ACMG Guidelines, 2015. Collection method: clinical testing. Allele origin: germline. Observed: 1 variant allele.

GeneDx
Classification: Benign. Last evaluated: 2016-12-28. Review status: criteria provided, single submitter. Criteria: GeneDx Variant Classification (06012015). Collection method: clinical testing. Allele origin: germline. Affected: yes.
Comment: This variant is considered likely benign or benign based on one or more of the following criteria: it is a conservative change, it occurs at a poorly conserved position in the protein, it is predicted to be benign by multiple in silico algorithms, and/or has population frequency not consistent with disease.

PreventionGenetics, part of Exact Sciences
Classification: Benign. Review status: criteria provided, single submitter. Criteria: ACMG Guidelines, 2015. Collection method: clinical testing. Allele origin: germline.

Natera, Inc.
Classification: Benign for Glycogen storage disease type III. Last evaluated: 2020-09-16. Review status: no assertion criteria provided. Collection method: clinical testing. Allele origin: germline. Not counted in ClinVar's aggregate classification.

NM_000642.3(AGL):c.3758G>A (p.Arg1253His)

Gene: AGL (amylo-alpha-1,6-glucosidase and 4-alpha-glucanotransferase; plus strand). Cytogenetic location: 1p21.2.
Variant type: single nucleotide variant.
Coding change: c.3758G>A on transcript NM_000642.3 (MANE Select); coding-DNA position 3758, G replaced by A.
Protein change: p.Arg1253His; replaces arginine 1253 with histidine.
Molecular consequence: missense variant.
Genome position (GRCh38, 1-based): chr1:99,910,769, G>A. VCF-style: chr1-99910769-G-A. GRCh37 (hg19) VCF-style: chr1-100376325-G-A.
Other names: c.3758G>A, p.Arg1253His (NM_000028.3, NM_000643.3, NM_000644.3 and 1 more transcripts); c.3710G>A, p.Arg1237His (NM_000646.3); c.3737G>A, p.Arg1246His (NM_001425326.1); c.3557G>A, p.Arg1186His (NM_001425327.1); c.3554G>A, p.Arg1185His (NM_001425328.1); c.3419G>A, p.Arg1140His (NM_001425329.1); c.3380G>A, p.Arg1127His (NM_001425332.1); short protein forms R1253H, R1237H, R1127H, R1140H, R1185H, R1186H, R1246H.
Identifiers: ClinVar variation 256743 (VCV000256743.23), dbSNP rs12043139, ClinGen allele CA967208.